The following is an entry in ClinVar:

NM_000038.6(APC):c.5688C>T (p.Ser1896=)

Gene: APC (APC regulator of Wnt signaling pathway; plus strand). Cytogenetic location: 5q22.2.
Variant type: single nucleotide variant.
Coding change: c.5688C>T on transcript NM_000038.6 (MANE Select); coding-DNA position 5688, C replaced by T.
Protein change: p.Ser1896=; no amino-acid change (serine 1896 retained).
Molecular consequence: synonymous variant. On other transcripts: non-coding transcript variant (2).
Genome position (GRCh38, 1-based): chr5:112,841,282, C>T. VCF-style: chr5-112841282-C-T. GRCh37 (hg19) VCF-style: chr5-112176979-C-T.
Other names: c.5688C>T, p.Ser1896= (NM_001127510.3, NM_001354895.2, NM_001407450.1); c.5439C>T, p.Ser1813= (NM_001407455.1, NM_001407456.1, NM_001407454.1 and 1 more transcripts); c.5634C>T, p.Ser1878= (NM_001127511.3); c.5742C>T, p.Ser1914= (NM_001354896.2, NM_001407447.1, NM_001407448.1 and 1 more transcripts); c.5718C>T, p.Ser1906= (NM_001354897.2); c.5613C>T, p.Ser1871= (NM_001354898.2); c.5604C>T, p.Ser1868= (NM_001354899.2); c.5565C>T, p.Ser1855= (NM_001354900.2); and 11 more.
Identifiers: ClinVar variation 3253765 (VCV003253765.1), dbSNP rs1561601778.

ClinVar aggregate classification (germline): Benign (1 of 4 stars; one submission).

Conditions:
Familial adenomatous polyposis 1 (FAP1). Also called: POLYPOSIS, ADENOMATOUS INTESTINAL; FAMILIAL ADENOMATOUS POLYPOSIS 1, ATTENUATED. Identifiers: MedGen C2713442, MONDO:0021056, OMIM 175100. Disease mechanism: loss of function.

Submission:

Myriad Genetics, Inc.
Classification: Benign for Familial adenomatous polyposis 1. Last evaluated: 2024-04-02. Review status: criteria provided, single submitter. Criteria: Myriad Autosomal Dominant, Autosomal Recessive and X-Linked Classification Criteria (2023). Collection method: clinical testing. Allele origin: unknown.
Comment: This variant is considered benign. This variant is a silent/synonymous amino acid change and it is not expected to impact splicing.